The following is an entry in ClinVar:

ClinVar aggregate classification (germline): Uncertain significance (1 of 4 stars; one submission).

Allele frequency attached by ClinVar (database versions not stated): ExAC 0.00001; gnomAD exomes 0.00001; gnomAD 0.00003; TOPMed 0.00004.
gnomAD v4.1: 5 of 1,601,860 alleles (0.00031%); highest among the groups gnomAD compares: African/African-American, 0.0054%; no homozygotes.

Submission:

Labcorp Genetics (formerly Invitae), Labcorp
Classification: Uncertain significance. Last evaluated: 2024-01-08. Review status: criteria provided, single submitter. Criteria: Invitae Variant Classification Sherloc (09022015). Collection method: clinical testing. Allele origin: germline.
Comment: This sequence change replaces serine, which is neutral and polar, with cysteine, which is neutral and slightly polar, at codon 725 of the ANKZF1 protein (p.Ser725Cys). This variant is present in population databases (rs758709575, gnomAD 0.008%). This variant has not been reported in the literature in individuals affected with ANKZF1-related conditions. ClinVar contains an entry for this variant (Variation ID: 1519669). An algorithm developed to predict the effect of missense changes on protein structure and function (PolyPhen-2) suggests that this variant is likely to be disruptive. In summary, the available evidence is currently insufficient to determine the role of this variant in disease. Therefore, it has been classified as a Variant of Uncertain Significance.

NM_018089.3(ANKZF1):c.2174C>G (p.Ser725Cys)

Gene: ANKZF1 (ankyrin repeat and zinc finger peptidyl tRNA hydrolase 1; plus strand). Cytogenetic location: 2q35.
Variant type: single nucleotide variant.
Coding change: c.2174C>G on transcript NM_018089.3 (MANE Select); coding-DNA position 2174, C replaced by G.
Protein change: p.Ser725Cys; replaces serine 725 with cysteine.
Molecular consequence: missense variant.
Genome position (GRCh38, 1-based): chr2:219,236,438, C>G. VCF-style: chr2-219236438-C-G. GRCh37 (hg19) VCF-style: chr2-220101160-C-G.
Other names: c.2174C>G, p.Ser725Cys (NM_001042410.2); c.1544C>G, p.Ser515Cys (NM_001282792.2); short protein forms S725C, S515C.
Identifiers: ClinVar variation 1519669 (VCV001519669.8), dbSNP rs758709575, ClinGen allele CA2121339.